The following is an entry in ClinVar:

ClinVar aggregate classification (germline): Uncertain significance (1 of 4 stars; one submission).

Conditions:
Episodic ataxia type 2 (EA2). Also called: CEREBELLAR ATAXIA, PAROXYSMAL, ACETAZOLAMIDE-RESPONSIVE; CEREBELLOPATHY, HEREDITARY PAROXYSMAL; EPISODIC ATAXIA, NYSTAGMUS-ASSOCIATED; ACETAZOLAMIDE-RESPONSIVE HEREDITARY PAROXYSMAL CEREBELLAR ATAXIA; ATAXIA, EPISODIC, WITH NYSTAGMUS; ATAXIA, FAMILIAL PAROXYSMAL. Identifiers: Orphanet 97, MedGen C1720416, MONDO:0007163, OMIM 108500.
Developmental and epileptic encephalopathy, 42 (DEE42A). Also called: Epileptic encephalopathy, early infantile, 42; DEVELOPMENTAL AND EPILEPTIC ENCEPHALOPATHY 42A; EPILEPTIC ENCEPHALOPATHY, EARLY INFANTILE, 42A. Identifiers: MedGen C4310716, MONDO:0014917, OMIM 617106.

Submission:

Labcorp Genetics (formerly Invitae), Labcorp
Classification: Uncertain significance for Developmental and epileptic encephalopathy, 42; Episodic ataxia type 2. Last evaluated: 2023-03-20. Review status: criteria provided, single submitter. Criteria: Invitae Variant Classification Sherloc (09022015). Collection method: clinical testing. Allele origin: germline.
Comment: This sequence change replaces proline, which is neutral and non-polar, with serine, which is neutral and polar, at codon 1361 of the CACNA1A protein (p.Pro1361Ser). In summary, the available evidence is currently insufficient to determine the role of this variant in disease. Therefore, it has been classified as a Variant of Uncertain Significance. Advanced modeling of protein sequence and biophysical properties (such as structural, functional, and spatial information, amino acid conservation, physicochemical variation, residue mobility, and thermodynamic stability) performed at Invitae indicates that this missense variant is expected to disrupt CACNA1A protein function. This variant has not been reported in the literature in individuals affected with CACNA1A-related conditions. This variant is not present in population databases (gnomAD no frequency).

NM_001127222.2(CACNA1A):c.4078C>T (p.Pro1360Ser)

Gene: CACNA1A (calcium voltage-gated channel subunit alpha1 A; minus strand). Cytogenetic location: 19p13.13.
Variant type: single nucleotide variant.
Coding change: c.4078C>T on transcript NM_001127222.2 (MANE Select); coding-DNA position 4078, C replaced by T.
Protein change: p.Pro1360Ser; replaces proline 1360 with serine.
Molecular consequence: missense variant.
Genome position (GRCh38, 1-based): chr19:13,262,745, G>A on the plus strand (C>T on the coding strand, the complement: CACNA1A is on the minus strand). VCF-style: chr19-13262745-G-A. GRCh37 (hg19) VCF-style: chr19-13373559-G-A.
Other names: c.4090C>T, p.Pro1364Ser (NM_000068.4, NM_023035.3); c.4081C>T, p.Pro1361Ser (NM_001127221.2, NM_001174080.2); short protein forms P1360S, P1361S, P1364S.
Identifiers: ClinVar variation 2945554 (VCV002945554.3), dbSNP rs2512763502, ClinGen allele CA404339932.